The following is an entry in ClinVar:

ClinVar aggregate classification (germline): Uncertain significance. Review status: criteria provided, multiple submitters, no conflicts (2 of 4 stars). 2 submissions from 2 submitters: Uncertain significance (2). Last evaluated 2026-07-07.

Conditions:
Cardiovascular phenotype. Identifiers: MedGen CN230736.
Distal myopathy with posterior leg and anterior hand involvement. Also called: WILLIAMS DISTAL MYOPATHY. Identifiers: Orphanet 63273, MedGen C3279722, MONDO:0013550, OMIM 614065.
Hypertrophic cardiomyopathy 26. Also called: Cardiomyopathy, familial hypertrophic, 26. Identifiers: Orphanet 75249, MedGen C4310749, MONDO:0014883, OMIM 617047.
Myofibrillar myopathy 5. Also called: Filaminopathy (type); FILAMINOPATHY, AUTOSOMAL DOMINANT. Identifiers: Orphanet 171445, MedGen C1836050, MONDO:0012289, OMIM 609524.

Submissions (2):

Ambry Genetics
Classification: Uncertain significance for Cardiovascular phenotype. Last evaluated: 2026-07-07. Review status: criteria provided, single submitter. Criteria: Ambry Variant Classification Scheme 2023. Collection method: clinical testing. Allele origin: germline.
Comment: The p.E2352V variant (also known as c.7055A>T), located in coding exon 42 of the FLNC gene, results from an A to T substitution at nucleotide position 7055. The glutamic acid at codon 2352 is replaced by valine, an amino acid with dissimilar properties. This amino acid position is conserved. In addition, this alteration is predicted to be deleterious by in silico analysis. Based on the available evidence, the clinical significance of this variant remains unclear.

Labcorp Genetics (formerly Invitae), Labcorp
Classification: Uncertain significance for Distal myopathy with posterior leg and anterior hand involvement; Myofibrillar myopathy 5; Hypertrophic cardiomyopathy 26. Last evaluated: 2024-03-09. Review status: criteria provided, single submitter. Criteria: Invitae Variant Classification Sherloc (09022015). Collection method: clinical testing. Allele origin: germline.
Comment: This sequence change replaces glutamic acid, which is acidic and polar, with valine, which is neutral and non-polar, at codon 2352 of the FLNC protein (p.Glu2352Val). This variant is not present in population databases (gnomAD no frequency). This variant has not been reported in the literature in individuals affected with FLNC-related conditions. ClinVar contains an entry for this variant (Variation ID: 2420735). Advanced modeling of protein sequence and biophysical properties (such as structural, functional, and spatial information, amino acid conservation, physicochemical variation, residue mobility, and thermodynamic stability) performed at Invitae indicates that this missense variant is not expected to disrupt FLNC protein function with a negative predictive value of 95%. In summary, the available evidence is currently insufficient to determine the role of this variant in disease. Therefore, it has been classified as a Variant of Uncertain Significance.

NM_001458.5(FLNC):c.7055A>T (p.Glu2352Val)

Genes: FLNC (filamin C; plus strand), FLNC-AS1 (FLNC antisense RNA 1; minus strand). Cytogenetic location: 7q32.1.
Variant type: single nucleotide variant.
Coding change: c.7055A>T on transcript NM_001458.5 (MANE Select); coding-DNA position 7055, A replaced by T.
Protein change: p.Glu2352Val; replaces glutamic acid 2352 with valine.
Molecular consequence: missense variant.
Genome position (GRCh38, 1-based): chr7:128,854,832, A>T. VCF-style: chr7-128854832-A-T. GRCh37 (hg19) VCF-style: chr7-128494886-A-T.
Other names: c.6956A>T, p.Glu2319Val (NM_001127487.2); short protein forms E2319V, E2352V.
Identifiers: ClinVar variation 2420735 (VCV002420735.8), dbSNP rs2536665954, ClinGen allele CA369215090.
Genomic context (GRCh38, chr7:128,854,832, plus strand): 5'-CAGCCGAGTTCAGCATCTGGACCCGGGAGGCTGGCGCTGGGGGCCTGTCCATTGCTGTGG[A>T]GGGTCCTAGCAAAGCGGAGATTGCATTTGAGGATCGCAAAGATGGCTCCTGCGGCGTCTC-3'
Protein context (NP_001449.3, residues 2342-2362): AGAGGLSIAV[Glu2352Val]GPSKAEIAFE